The following is an entry in ClinVar:

NM_001164508.2(NEB):c.19915del (p.Ala6639fs)

Gene: NEB (nebulin; minus strand). Cytogenetic location: 2q23.3.
Variant type: Deletion.
Coding change: c.19915del on transcript NM_001164508.2 (MANE Select); coding-DNA position 19915, one base deleted (G; older notation c.19915delG).
Protein change: p.Ala6639fs; shifts the reading frame from alanine 6639.
Molecular consequence: frameshift variant.
Genome position (GRCh38, 1-based): chr2:151,551,767, C deleted on the plus strand (G on the coding strand, the reverse complement: NEB is on the minus strand); the first of 3 consecutive C bases (chr2:151,551,767-151,551,769); deleting any one gives the same sequence. VCF-style (leftmost placement, unchanged base first): chr2-151551766-GC-G. GRCh37 (hg19) VCF-style: chr2-152408280-GC-G.
Other names: c.19915del, p.Ala6639fs (NM_001164507.2, NM_001271208.2); c.14812del, p.Ala4938fs (NM_004543.5); short protein forms A4938fs, A6639fs.
Identifiers: ClinVar variation 1071472 (VCV001071472.7), dbSNP rs2153647595, ClinGen allele CA2499215038.
Genomic context (GRCh38, chr2:151,551,766, plus strand): 5'-CTGCTGGGCACTCTCAAGTTCTCACTGCTCACCGAACTCTGGAGCTTGTATGCATGAAGG[GC>G]CCGGTCCAGATCCACGGTTTTGGTAGTTGGAGCCACTTTGCCTCTGACACTGTGCACATA-3'

ClinVar aggregate classification (germline): Pathogenic (1 of 4 stars; one submission).

Conditions:
Nemaline myopathy 2 (NEM2). Also called: Nemaline myopathy 2, autosomal recessive. Identifiers: MedGen C1850569, MONDO:0009725, OMIM 256030.

Submission:

Labcorp Genetics (formerly Invitae), Labcorp
Classification: Pathogenic for Nemaline myopathy 2. Last evaluated: 2021-12-25. Review status: criteria provided, single submitter. Criteria: Invitae Variant Classification Sherloc (09022015). Collection method: clinical testing. Allele origin: germline.
Comment: This sequence change creates a premature translational stop signal (p.Ala6639Profs*42) in the NEB gene. It is expected to result in an absent or disrupted protein product. Loss-of-function variants in NEB are known to be pathogenic (PMID: 25205138). For these reasons, this variant has been classified as Pathogenic. ClinVar contains an entry for this variant (Variation ID: 1071472). This variant has not been reported in the literature in individuals affected with NEB-related conditions. This variant is not present in population databases (gnomAD no frequency).

Literature cited by the submitters: PubMed 25205138.